The following is an entry in ClinVar:

ClinVar aggregate classification (germline): Uncertain significance (1 of 4 stars; one submission).

Conditions:
Hereditary cancer-predisposing syndrome. Also called: Neoplastic Syndromes, Hereditary; Hereditary Cancer Syndrome; Tumor predisposition; Hereditary neoplastic syndrome. Identifiers: Orphanet 140162, MedGen C0027672, MeSH D009386, MONDO:0015356.

Submission:

Ambry Genetics
Classification: Uncertain significance for Hereditary cancer-predisposing syndrome. Last evaluated: 2025-02-27. Review status: criteria provided, single submitter. Criteria: Ambry Variant Classification Scheme 2023. Collection method: clinical testing. Allele origin: germline.
Comment: The p.T2049I variant (also known as c.6146C>T), located in coding exon 45 of the POLE gene, results from a C to T substitution at nucleotide position 6146. The threonine at codon 2049 is replaced by isoleucine, an amino acid with similar properties. This amino acid position is conserved. In addition, this alteration is predicted to be tolerated by in silico analysis. Based on the available evidence, the clinical significance of this variant remains unclear.

NM_006231.4(POLE):c.6146C>T (p.Thr2049Ile)

Gene: POLE (DNA polymerase epsilon, catalytic subunit; minus strand). Cytogenetic location: 12q24.33.
Variant type: single nucleotide variant.
Coding change: c.6146C>T on transcript NM_006231.4 (MANE Select); coding-DNA position 6146, C replaced by T.
Protein change: p.Thr2049Ile; replaces threonine 2049 with isoleucine.
Molecular consequence: missense variant.
Genome position (GRCh38, 1-based): chr12:132,632,499, G>A on the plus strand (C>T on the coding strand, the complement: POLE is on the minus strand). VCF-style: chr12-132632499-G-A. GRCh37 (hg19) VCF-style: chr12-133209085-G-A.
Other names: short protein forms T2049I.
Identifiers: ClinVar variation 3781599 (VCV003781599.1).